The following is an entry in ClinVar:

ClinVar aggregate classification (germline): Uncertain significance (1 of 4 stars; one submission).

Conditions:
Werner syndrome (WRN). Identifiers: Orphanet 902, MedGen C0043119, MONDO:0010196, OMIM 277700.

Submission:

Labcorp Genetics (formerly Invitae), Labcorp
Classification: Uncertain significance for Werner syndrome. Last evaluated: 2022-05-27. Review status: criteria provided, single submitter. Criteria: Invitae Variant Classification Sherloc (09022015). Collection method: clinical testing. Allele origin: germline.
Comment: This variant has not been reported in the literature in individuals affected with WRN-related conditions. Algorithms developed to predict the effect of missense changes on protein structure and function output the following: SIFT: "Not Available"; PolyPhen-2: "Benign"; Align-GVGD: "Not Available". The aspartic acid amino acid residue is found in multiple mammalian species, which suggests that this missense change does not adversely affect protein function. In summary, the available evidence is currently insufficient to determine the role of this variant in disease. Therefore, it has been classified as a Variant of Uncertain Significance. This variant is not present in population databases (gnomAD no frequency). This sequence change replaces asparagine, which is neutral and polar, with aspartic acid, which is acidic and polar, at codon 291 of the WRN protein (p.Asn291Asp).

NM_000553.6(WRN):c.871A>G (p.Asn291Asp)

Gene: WRN (WRN RecQ like helicase; plus strand). Cytogenetic location: 8p12.
Variant type: single nucleotide variant.
Coding change: c.871A>G on transcript NM_000553.6 (MANE Select); coding-DNA position 871, A replaced by G.
Protein change: p.Asn291Asp; replaces asparagine 291 with aspartic acid.
Molecular consequence: missense variant.
Genome position (GRCh38, 1-based): chr8:31,080,898, A>G. VCF-style: chr8-31080898-A-G. GRCh37 (hg19) VCF-style: chr8-30938414-A-G.
Other names: short protein forms N291D.
Identifiers: ClinVar variation 2057488 (VCV002057488.4), dbSNP rs2535909522, ClinGen allele CA370919697.
Genomic context (GRCh38, chr8:31,080,898, plus strand): 5'-GAATTAATCTTTCTTAATTTTTTTTTTAGGGTTTCTATCTTACTAAAGGATATTTCAGAA[A>G]ATCTATATTCACTGAGGAGGATGATAATTGGGTCTACTAACATTGAGACTGAACTGAGGC-3'
Protein context (NP_000544.2, residues 281-301): VSILLKDISE[Asn291Asp]LYSLRRMIIG